The following is an entry in ClinVar:

ClinVar aggregate classification (germline): Uncertain significance (1 of 4 stars; one submission).

Submission:

Labcorp Genetics (formerly Invitae), Labcorp
Classification: Uncertain significance. Last evaluated: 2023-07-20. Review status: criteria provided, single submitter. Criteria: Invitae Variant Classification Sherloc (09022015). Collection method: clinical testing. Allele origin: germline.
Comment: This sequence change replaces serine, which is neutral and polar, with phenylalanine, which is neutral and non-polar, at codon 81 of the SRP72 protein (p.Ser81Phe). This variant is not present in population databases (gnomAD no frequency). This variant has not been reported in the literature in individuals affected with SRP72-related conditions. Advanced modeling of protein sequence and biophysical properties (such as structural, functional, and spatial information, amino acid conservation, physicochemical variation, residue mobility, and thermodynamic stability) performed at Invitae indicates that this missense variant is not expected to disrupt SRP72 protein function. In summary, the available evidence is currently insufficient to determine the role of this variant in disease. Therefore, it has been classified as a Variant of Uncertain Significance.

NM_006947.4(SRP72):c.242C>T (p.Ser81Phe)

Gene: SRP72 (signal recognition particle 72; plus strand). Cytogenetic location: 4q12.
Variant type: single nucleotide variant.
Coding change: c.242C>T on transcript NM_006947.4 (MANE Select); coding-DNA position 242, C replaced by T.
Protein change: p.Ser81Phe; replaces serine 81 with phenylalanine.
Molecular consequence: missense variant. On other transcripts: non-coding transcript variant (1).
Genome position (GRCh38, 1-based): chr4:56,471,731, C>T. VCF-style: chr4-56471731-C-T. GRCh37 (hg19) VCF-style: chr4-57337897-C-T.
Other names: c.242C>T, p.Ser81Phe (NM_001267722.2); short protein forms S81F.
Identifiers: ClinVar variation 2745543 (VCV002745543.3), dbSNP rs1387532844, ClinGen allele CA356996031.